The following is an entry in ClinVar:

NM_198123.2(CSMD3):c.5934+7A>G

Gene: CSMD3 (CUB and Sushi multiple domains 3; minus strand). Cytogenetic location: 8q23.3.
Variant type: single nucleotide variant.
Coding change: c.5934+7A>G on transcript NM_198123.2 (MANE Select); 7 bases into the intron after coding-DNA position 5934, A replaced by G.
Molecular consequence: intron variant.
Genome position (GRCh38, 1-based): chr8:112,390,657, T>C on the plus strand (A>G on the coding strand, the complement: CSMD3 is on the minus strand). VCF-style: chr8-112390657-T-C. GRCh37 (hg19) VCF-style: chr8-113402886-T-C.
Other names: c.5334+7A>G (NM_001363185.1); c.5622+7A>G (NM_052900.3); c.5814+7A>G (NM_198124.2).
Identifiers: ClinVar variation 3058977 (VCV003058977.2), dbSNP rs80026638, ClinGen allele CA4849737.

ClinVar aggregate classification (germline): Likely benign (0 of 4 stars; one submission).

Conditions:
CSMD3-related disorder. Also called: CSMD3-related condition.

Allele frequency attached by ClinVar (database versions not stated): 1000 Genomes Project 0.00140; ESP Exome Variant Server 0.00169; ExAC 0.00171; 1000 Genomes Project 30x 0.00172; gnomAD 0.00186; TOPMed 0.00194; gnomAD exomes 0.00211.
gnomAD v4.1: 3,379 of 1,610,668 alleles (0.21%); highest among the groups gnomAD compares: Non-Finnish European, 0.25%; 1 homozygote.

Submission:

PreventionGenetics, part of Exact Sciences
Classification: Likely benign for CSMD3-related condition. Last evaluated: 2019-10-28. Review status: no assertion criteria provided. Collection method: clinical testing. Allele origin: germline.
Comment: This variant is classified as likely benign based on ACMG/AMP sequence variant interpretation guidelines (Richards et al. 2015 PMID: 25741868, with internal and published modifications).